The following is an entry in ClinVar:

NM_001605.3(AARS1):c.1055T>G (p.Val352Gly)

Gene: AARS1 (alanyl-tRNA synthetase 1; minus strand). Cytogenetic location: 16q22.1.
Variant type: single nucleotide variant.
Coding change: c.1055T>G on transcript NM_001605.3 (MANE Select); coding-DNA position 1055, T replaced by G.
Protein change: p.Val352Gly; replaces valine 352 with glycine.
Molecular consequence: missense variant.
Genome position (GRCh38, 1-based): chr16:70,268,287, A>C on the plus strand (T>G on the coding strand, the complement: AARS1 is on the minus strand). VCF-style: chr16-70268287-A-C. GRCh37 (hg19) VCF-style: chr16-70302190-A-C.
Other names: short protein forms V352G.
Identifiers: ClinVar variation 1047166 (VCV001047166.8), dbSNP rs1597441040, ClinGen allele CA396564091.

ClinVar aggregate classification (germline): Uncertain significance (1 of 4 stars; one submission).

Conditions:
Charcot-Marie-Tooth disease type 2. Also called: Charcot-Marie-Tooth type 2. Identifiers: Orphanet 64746, MedGen C0270914, MONDO:0018993.

Allele frequency attached by ClinVar (database versions not stated): gnomAD exomes below 0.00001.
gnomAD v4.1: 1 of 1,614,122 alleles (0.000062%); highest among the groups gnomAD compares: Non-Finnish European, 0.000085%; no homozygotes.

Submission:

Labcorp Genetics (formerly Invitae), Labcorp
Classification: Uncertain significance for Charcot-Marie-Tooth disease type 2. Last evaluated: 2022-07-19. Review status: criteria provided, single submitter. Criteria: Invitae Variant Classification Sherloc (09022015). Collection method: clinical testing. Allele origin: germline.
Comment: Algorithms developed to predict the effect of missense changes on protein structure and function are either unavailable or do not agree on the potential impact of this missense change (SIFT: "Deleterious"; PolyPhen-2: "Probably Damaging"; Align-GVGD: "Class C0"). In summary, the available evidence is currently insufficient to determine the role of this variant in disease. Therefore, it has been classified as a Variant of Uncertain Significance. ClinVar contains an entry for this variant (Variation ID: 1047166). This sequence change replaces valine, which is neutral and non-polar, with glycine, which is neutral and non-polar, at codon 352 of the AARS protein (p.Val352Gly). This variant is not present in population databases (gnomAD no frequency). This variant has not been reported in the literature in individuals affected with AARS-related conditions.